The following is an entry in ClinVar:

NM_013266.4(CTNNA3):c.1091A>G (p.Asp364Gly)

Gene: CTNNA3 (catenin alpha 3; minus strand). Cytogenetic location: 10q21.3.
Variant type: single nucleotide variant.
Coding change: c.1091A>G on transcript NM_013266.4 (MANE Select); coding-DNA position 1091, A replaced by G.
Protein change: p.Asp364Gly; replaces aspartic acid 364 with glycine.
Molecular consequence: missense variant.
Genome position (GRCh38, 1-based): chr10:66,775,481, T>C on the plus strand (A>G on the coding strand, the complement: CTNNA3 is on the minus strand). VCF-style: chr10-66775481-T-C. GRCh37 (hg19) VCF-style: chr10-68535239-T-C.
Other names: c.1091A>G, p.Asp364Gly (NM_001127384.3); c.1091A>G (NM_013266.2); short protein forms D364G.
Identifiers: ClinVar variation 845890 (VCV000845890.11), dbSNP rs753966151, ClinGen allele CA5520073.
Genomic context (GRCh38, chr10:66,775,481, plus strand): 5'-TCCATATCTCTCTCTTCCCTCACCTGTCTGCGAAGGTCTCTTGTCTTCTTACACATGTTG[T>C]CTAAAGCAATATTCAGGGTATTACTCCTTTCTTTTTTTCCAGCCTGCAAAGAAGAAAAAA-3'
Protein context (NP_037398.2, residues 354-374): ERSNTLNIAL[Asp364Gly]NMCKKTRDLR

ClinVar aggregate classification (germline): Uncertain significance. Review status: criteria provided, multiple submitters, no conflicts (2 of 4 stars). 3 submissions from 3 submitters: Uncertain significance (3). Last evaluated 2025-07-14.

Conditions:
Arrhythmogenic right ventricular dysplasia 13. Also called: ARRHYTHMOGENIC RIGHT VENTRICULAR CARDIOMYOPATHY 13; Arrhythmogenic right ventricular dysplasia, familial, 13. Identifiers: MedGen C3810138, MONDO:0000908, OMIM 615616.

Allele frequency attached by ClinVar (database versions not stated): gnomAD exomes below 0.00001 and 0.00001; ExAC 0.00001; gnomAD 0.00001; TOPMed 0.00002.
gnomAD v4.1: 17 of 1,611,974 alleles (0.0011%); highest among the groups gnomAD compares: Admixed American, 0.0017%; no homozygotes.

Submissions (3):

Labcorp Genetics (formerly Invitae), Labcorp
Classification: Uncertain significance for Arrhythmogenic right ventricular dysplasia 13. Last evaluated: 2025-07-14. Review status: criteria provided, single submitter. Criteria: Invitae Variant Classification Sherloc (09022015). Collection method: clinical testing. Allele origin: germline.
Comment: This sequence change replaces aspartic acid, which is acidic and polar, with glycine, which is neutral and non-polar, at codon 364 of the CTNNA3 protein (p.Asp364Gly). The frequency data for this variant in the population databases is considered unreliable, as metrics indicate poor data quality at this position in the gnomAD database. This variant has not been reported in the literature in individuals affected with CTNNA3-related conditions. ClinVar contains an entry for this variant (Variation ID: 845890). Invitae Evidence Modeling of protein sequence and biophysical properties (such as structural, functional, and spatial information, amino acid conservation, physicochemical variation, residue mobility, and thermodynamic stability) indicates that this missense variant is not expected to disrupt CTNNA3 protein function with a negative predictive value of 80%. In summary, the available evidence is currently insufficient to determine the role of this variant in disease. Therefore, it has been classified as a Variant of Uncertain Significance.

Ambry Genetics
Classification: Uncertain significance. Last evaluated: 2024-10-07. Review status: criteria provided, single submitter. Criteria: Ambry Variant Classification Scheme 2023. Collection method: clinical testing. Allele origin: germline.
Comment: The p.D364G variant (also known as c.1091A>G), located in coding exon 7 of the CTNNA3 gene, results from an A to G substitution at nucleotide position 1091. The aspartic acid at codon 364 is replaced by glycine, an amino acid with similar properties. This amino acid position is conserved. In addition, this alteration is predicted to be tolerated by in silico analysis. Based on the available evidence, the clinical significance of this variant remains unclear.

Clinical Genetics Laboratory, Skane University Hospital Lund
Classification: Uncertain significance. Last evaluated: 2022-05-27. Review status: criteria provided, single submitter. Criteria: ACMG Guidelines, 2015. Collection method: clinical testing. Allele origin: germline. Affected: yes.